The following is an entry in ClinVar:

ClinVar aggregate classification (germline): Conflicting classifications of pathogenicity. Review status: criteria provided, conflicting classifications (1 of 4 stars). 3 submissions from 3 submitters: Likely pathogenic (2); Uncertain significance (1). Last evaluated 2025-08-14.

Conditions:
Medium-chain acyl-coenzyme A dehydrogenase deficiency (ACADMD). Also called: CARNITINE DEFICIENCY SECONDARY TO MEDIUM-CHAIN ACYL-CoA DEHYDROGENASE DEFICIENCY; MCADH DEFICIENCY; MCADD; MCAD Deficiency; ACADM DEFICIENCY; Medium chain acyl-CoA dehydrogenase deficiency. Identifiers: Orphanet 42, MedGen C0220710, MONDO:0008721, OMIM 201450.

Submissions (3):

Myriad Genetics, Inc.
Classification: Uncertain significance for Medium-chain acyl-coenzyme A dehydrogenase deficiency. Last evaluated: 2025-08-14. Review status: criteria provided, single submitter. Criteria: Myriad Autosomal Dominant, Autosomal Recessive and X-Linked Classification Criteria (2023). Collection method: clinical testing. Allele origin: unknown.
Comment: NM_000016.4(ACADM):c.86G>A(R29Q) is a missense variant classified as a variant of uncertain significance in the context of medium-chain acyl-CoA dehydrogenase deficiency. R29Q has been observed in cases with relevant disease (PMID: 20434380, 36840705). Relevant functional assessments of this variant are not available in the literature. R29Q has been observed in referenced population frequency databases. In summary, there is insufficient evidence to classify NM_000016.4(ACADM):c.86G>A(R29Q) as pathogenic or benign. Please note: this variant was assessed in the context of healthy population screening.

Women's Health and Genetics/Laboratory Corporation of America, LabCorp
Classification: Likely pathogenic for Medium-chain acyl-coenzyme A dehydrogenase deficiency. Last evaluated: 2025-06-11. Review status: criteria provided, single submitter. Criteria: LabCorp Variant Classification Summary - May 2015. Collection method: clinical testing. Allele origin: germline.
Comment: Variant summary: ACADM c.86G>A (p.Arg29Gln) results in a conservative amino acid change in the encoded protein sequence. Algorithms developed to predict the effect of missense changes on protein structure and function all suggest that this variant is likely to be tolerated. The variant allele was found at a frequency of 2e-05 in 251420 control chromosomes.c.86G>A has been reported in the literature in compound heterozygous individuals affected with Medium Chain Acyl-CoA Dehydrogenase Deficiency (e.g. Smith_2010, Weiss_2022). To our knowledge, no experimental evidence demonstrating an impact on protein function has been reported. Other variant (p.Arg29Leu) that disrupt this residue has been observed in individuals with ACADM-related conditions (PMID: 20434380; Internal data). The following publications have been ascertained in the context of this evaluation (PMID: 20434380, 36840705). ClinVar contains an entry for this variant (Variation ID: 3336488). Based on the evidence outlined above, the variant was classified as likely pathogenic.

Fulgent Genetics
Classification: Likely pathogenic for Medium-chain acyl-coenzyme A dehydrogenase deficiency. Last evaluated: 2024-05-22. Review status: criteria provided, single submitter. Criteria: ACMG Guidelines, 2015. Collection method: clinical testing. Allele origin: germline.

Literature cited by the submitters: PubMed 20434380 (cited by Myriad Genetics, Inc. and Women's Health and Genetics/Laboratory Corporation of America, LabCorp); PubMed 36840705 (cited by Myriad Genetics, Inc. and Women's Health and Genetics/Laboratory Corporation of America, LabCorp).

NM_000016.6(ACADM):c.86G>A (p.Arg29Gln)

Gene: ACADM (acyl-CoA dehydrogenase medium chain; plus strand). Cytogenetic location: 1p31.1.
Variant type: single nucleotide variant.
Coding change: c.86G>A on transcript NM_000016.6 (MANE Select); coding-DNA position 86, G replaced by A.
Protein change: p.Arg29Gln; replaces arginine 29 with glutamine.
Molecular consequence: missense variant. On other transcripts: intron variant (2).
Genome position (GRCh38, 1-based): chr1:75,728,456, G>A. VCF-style: chr1-75728456-G-A. GRCh37 (hg19) VCF-style: chr1-76194141-G-A.
Other names: c.98G>A, p.Arg33Gln (NM_001127328.3); c.86G>A, p.Arg29Gln (NM_001286043.2); c.10+3639G>A (NM_001286042.2); c.-268+3639G>A (NM_001286044.2); short protein forms R29Q, R33Q.
Identifiers: ClinVar variation 3336488 (VCV003336488.4).
Genomic context (GRCh38, chr1:75,728,456, plus strand): 5'-TACAGGTCCTGAGAAGTATTTCTCGTTTTCATTGGAGATCACAGCATACAAAAGCCAATC[G>A]ACAACGTGAACCAGGATTAGGATTTAGTTTTGGTATATGTTCGGTTCTATCTTTTGACTT-3'
Protein context (NP_000007.1, residues 19-39): HWRSQHTKAN[Arg29Gln]QREPGLGFSF